The following is an entry in ClinVar:

NM_004260.4(RECQL4):c.3502+1G>A

Gene: RECQL4 (RecQ like helicase 4; minus strand). Cytogenetic location: 8q24.3.
Variant type: single nucleotide variant.
Coding change: c.3502+1G>A on transcript NM_004260.4 (MANE Select); the canonical splice donor site of the intron after coding-DNA position 3502, G replaced by A.
Molecular consequence: splice donor variant.
Genome position (GRCh38, 1-based): chr8:144,511,680, C>T on the plus strand (G>A on the coding strand, the complement: RECQL4 is on the minus strand). VCF-style: chr8-144511680-C-T. GRCh37 (hg19) VCF-style: chr8-145737063-C-T.
Other names: c.2233+1G>A (NM_001413038.1, NM_001413031.1); c.2431+1G>A (NM_001413022.1, NM_001413040.1, NM_001413021.1 and 4 more transcripts); c.2506+1G>A (NM_001413023.1); c.3511+1G>A (NM_001413036.1); c.3577+1G>A (NM_001413019.1); c.2035+1G>A (NM_001413043.1); c.2365+1G>A (NM_001413030.1, NM_001413027.1, NM_001413032.1); c.2440+1G>A (NM_001413041.1); and 9 more.
Identifiers: ClinVar variation 4845760 (VCV004845760.1).

ClinVar aggregate classification (germline): Likely pathogenic (1 of 4 stars; one submission).

Conditions:
Baller-Gerold syndrome (BGS). Also called: CRANIOSYNOSTOSIS WITH RADIAL DEFECTS. Identifiers: Orphanet 1225, MedGen C0265308, MONDO:0009039, OMIM 218600.
Rapadilino syndrome. Identifiers: Orphanet 3021, MedGen C1849453, MONDO:0009955, OMIM 266280.
Rothmund-Thomson syndrome type 2 (RTS2). Identifiers: Orphanet 221016, MedGen C5203410, MONDO:0016369, OMIM 268400.

gnomAD v4.1: 1 of 1,612,386 alleles (0.000062%); highest among the groups gnomAD compares: Non-Finnish European, 0.000085%; no homozygotes.

Submission:

First Genomix Gene Laboratory, Genetic Diagnostics Department
Classification: Likely pathogenic for Baller-Gerold syndrome; Rapadilino syndrome; Rothmund-Thomson syndrome type 2. Last evaluated: 2025-03-19. Review status: criteria provided, single submitter. Criteria: ACMG Guidelines, 2015. Collection method: clinical testing. Allele origin: germline. Inheritance: Autosomal recessive inheritance. Affected: no. Observed: 1 variant allele.